The following is an entry in ClinVar:

NM_002335.4(LRP5):c.3122C>T (p.Thr1041Met)

Gene: LRP5 (LDL receptor related protein 5; plus strand). Cytogenetic location: 11q13.2.
Variant type: single nucleotide variant.
Coding change: c.3122C>T on transcript NM_002335.4 (MANE Select); coding-DNA position 3122, C replaced by T.
Protein change: p.Thr1041Met; replaces threonine 1041 with methionine.
Molecular consequence: missense variant.
Genome position (GRCh38, 1-based): chr11:68,423,583, C>T. VCF-style: chr11-68423583-C-T. GRCh37 (hg19) VCF-style: chr11-68191051-C-T.
Other names: c.1379C>T, p.Thr460Met (NM_001291902.2); short protein forms T460M, T1041M.
Identifiers: ClinVar variation 1450334 (VCV001450334.11), dbSNP rs1311935185, ClinGen allele CA381620762.

ClinVar aggregate classification (germline): Conflicting classifications of pathogenicity. Review status: criteria provided, conflicting classifications (1 of 4 stars). 4 submissions from 4 submitters: Pathogenic (1); Likely pathogenic (1); Uncertain significance (1). 1 of the submissions does not count toward it. Last evaluated 2025-03-17.

Conditions:
Osteogenesis imperfecta (OI). Identifiers: Orphanet 666, MedGen C0029434, MeSH D010013, MONDO:0019019.
Polycystic liver disease 4 with or without kidney cysts. Identifiers: MedGen C4693479, MONDO:0044327, OMIM 617875.
Autosomal dominant osteopetrosis 1 (OPTA1). Also called: OSTEOPETROSIS, AUTOSOMAL DOMINANT, TYPE I. Identifiers: Orphanet 2783, MedGen C1843330, MONDO:0011877, OMIM 607634.
Osteoporosis with pseudoglioma (OPPG). Also called: osteoporosis-pseudoglioma syndrome. Identifiers: Orphanet 2788, MedGen C0432252, MONDO:0009820, OMIM 259770.
Worth disease. Also called: Autosomal dominant osteosclerosis, Worth type; ENDOSTEAL HYPEROSTOSIS, AUTOSOMAL DOMINANT; OSTEOSCLEROSIS, AUTOSOMAL DOMINANT. Identifiers: Orphanet 2790, MedGen C0432273, MONDO:0007764, OMIM 144750.
Bone mineral density quantitative trait locus 1 (BMND1). Identifiers: MedGen C1866079, OMIM 601884.
Exudative vitreoretinopathy 4 (EVR4). Identifiers: Orphanet 891, MedGen C1866176, MONDO:0011151, OMIM 601813.

Allele frequency attached by ClinVar (database versions not stated): gnomAD exomes below 0.00001 and 0.00001; TOPMed below 0.00001; gnomAD 0.00001.
gnomAD v4.1: 5 of 1,614,106 alleles (0.00031%); highest among the groups gnomAD compares: Non-Finnish European, 0.00042%; no homozygotes.

Submissions (4):

Labcorp Genetics (formerly Invitae), Labcorp
Classification: Pathogenic. Last evaluated: 2025-03-17. Review status: criteria provided, single submitter. Criteria: Invitae Variant Classification Sherloc (09022015). Collection method: clinical testing. Allele origin: germline.
Comment: This sequence change replaces threonine, which is neutral and polar, with methionine, which is neutral and non-polar, at codon 1041 of the LRP5 protein (p.Thr1041Met). This variant is present in population databases (no rsID available, gnomAD 0.002%). This missense change has been observed in individuals with clinical features of autosomal dominant exudative retinopathy (PMID: 30452590; internal data). ClinVar contains an entry for this variant (Variation ID: 1450334). Invitae Evidence Modeling of protein sequence and biophysical properties (such as structural, functional, and spatial information, amino acid conservation, physicochemical variation, residue mobility, and thermodynamic stability) indicates that this missense variant is expected to disrupt LRP5 protein function with a positive predictive value of 95%. For these reasons, this variant has been classified as Pathogenic.

Fulgent Genetics
Classification: Likely pathogenic for Worth disease; Osteoporosis with pseudoglioma; Exudative vitreoretinopathy 4; Bone mineral density quantitative trait locus 1; Autosomal dominant osteopetrosis 1; Polycystic liver disease 4 with or without kidney cysts. Last evaluated: 2024-04-29. Review status: criteria provided, single submitter. Criteria: ACMG Guidelines, 2015. Collection method: clinical testing. Allele origin: germline.

Blueprint Genetics
Classification: Uncertain significance. Last evaluated: 2022-06-10. Review status: criteria provided, single submitter. Criteria: ACMG Guidelines, 2015. Collection method: clinical testing. Allele origin: germline.

Genome Diagnostics Laboratory, The Hospital for Sick Children
Classification: Uncertain significance for Osteogenesis imperfecta. Last evaluated: 2018-10-01. Review status: flagged submission. Criteria: ACMG Guidelines, 2015. Collection method: clinical testing. Allele origin: germline. Not counted in ClinVar's aggregate classification.
ClinVar note: Reason: Older claim that does not account for recent evidence

Literature cited by the submitters: PubMed 30452590 (cited by Labcorp Genetics (formerly Invitae), Labcorp).